The following is an entry in ClinVar:

NM_012318.3(LETM1):c.843C>T (p.Ser281=)

Gene: LETM1 (leucine zipper and EF-hand containing transmembrane protein 1; minus strand). Cytogenetic location: 4p16.3.
Variant type: single nucleotide variant.
Coding change: c.843C>T on transcript NM_012318.3 (MANE Select); coding-DNA position 843, C replaced by T.
Protein change: p.Ser281=; no amino-acid change (serine 281 retained).
Molecular consequence: synonymous variant.
Genome position (GRCh38, 1-based): chr4:1,834,878, G>A on the plus strand (C>T on the coding strand, the complement: LETM1 is on the minus strand). VCF-style: chr4-1834878-G-A. GRCh37 (hg19) VCF-style: chr4-1836605-G-A.
Identifiers: ClinVar variation 740745 (VCV000740745.11), dbSNP rs146247493, ClinGen allele CA2811522.
Genomic context (GRCh38, chr4:1,834,878, plus strand): 5'-CACAGGGACTCAGACGTATCACAGCACCTTCTGGAAAAACACAGAGAAGTCTTTGGTGGC[G>A]CTGCCCTTGGCTGCCTTGTTCTTCAAGGCCATCTCCTCGATGGTGTCCTGGAGGAACTTG-3'
Protein context (NP_036450.1, residues 271-291): MALKNKAAKG[Ser281=]ATKDFSVFFQ

ClinVar aggregate classification (germline): Likely benign. Review status: criteria provided, multiple submitters, no conflicts (2 of 4 stars). 2 submissions from 2 submitters: Likely benign (2). Last evaluated 2026-02-23.

Conditions:
LETM1-related disorder. Also called: LETM1-related condition.

Allele frequency attached by ClinVar (database versions not stated): gnomAD 0.00023; TOPMed 0.00025; gnomAD exomes 0.00026 and 0.00031; ExAC 0.00030; ESP Exome Variant Server 0.00038; 1000 Genomes Project 0.00060; 1000 Genomes Project 30x 0.00062.
gnomAD v4.1: 415 of 1,614,170 alleles (0.026%); highest among the groups gnomAD compares: Admixed American, 0.038%; no homozygotes.

Submissions (2):

PreventionGenetics, part of Exact Sciences
Classification: Likely benign for LETM1-related condition. Last evaluated: 2026-02-23. Review status: criteria provided, single submitter. Criteria: ACMG Guidelines, 2015. Collection method: clinical testing. Allele origin: germline.
Comment: This variant is classified as likely benign based on ACMG/AMP sequence variant interpretation guidelines (Richards et al. 2015 PMID: 25741868, with internal and published modifications).

Labcorp Genetics (formerly Invitae), Labcorp
Classification: Likely benign. Last evaluated: 2026-01-20. Review status: criteria provided, single submitter. Criteria: Invitae Variant Classification Sherloc (09022015). Collection method: clinical testing. Allele origin: germline.